The following is an entry in ClinVar:

ClinVar aggregate classification (germline): Uncertain significance (1 of 4 stars; one submission).

Conditions:
Inborn genetic diseases. Identifiers: MedGen C0950123, MeSH D030342.

Submission:

Ambry Genetics
Classification: Uncertain significance for Inborn genetic diseases. Last evaluated: 2026-06-15. Review status: criteria provided, single submitter. Criteria: Ambry Variant Classification Scheme 2023. Collection method: clinical testing. Allele origin: germline.
Comment: The p.H253R variant (also known as c.758A>G), located in coding exon 8 of the RTEL1 gene, results from an A to G substitution at nucleotide position 758. The histidine at codon 253 is replaced by arginine, an amino acid with highly similar properties. This amino acid position is conserved. In addition, this alteration is predicted to be deleterious by in silico analysis. Based on the available evidence, the clinical significance of this variant remains unclear.

NM_001283009.2(RTEL1):c.758A>G (p.His253Arg)

Genes: RTEL1 (regulator of telomere elongation helicase 1; plus strand), RTEL1-TNFRSF6B (RTEL1-TNFRSF6B readthrough (NMD candidate); plus strand). Cytogenetic location: 20q13.33.
Variant type: single nucleotide variant.
Coding change: c.758A>G on transcript NM_001283009.2 (MANE Select); coding-DNA position 758, A replaced by G.
Protein change: p.His253Arg; replaces histidine 253 with arginine.
Molecular consequence: missense variant. On other transcripts: non-coding transcript variant (1).
Genome position (GRCh38, 1-based): chr20:63,672,614, A>G. VCF-style: chr20-63672614-A-G. GRCh37 (hg19) VCF-style: chr20-62303967-A-G.
Other names: c.89A>G, p.His30Arg (NM_001283010.1); c.758A>G, p.His253Arg (NM_016434.4); c.830A>G, p.His277Arg (NM_032957.5); short protein forms H253R, H277R, H30R.
Identifiers: ClinVar variation 5028455 (VCV005028455.1).
Genomic context (GRCh38, chr20:63,672,614, plus strand): 5'-AGAGCCGCAGAGCACACAACATTGACCTGAAGGGGACAGTCGTGATCTTTGACGAAGCTC[A>G]CAACGTGGTGAGTCTCCGCTGGCCTCCTAAACACCTCCTATTGCTTCTGGCCTTTTTGTC-3'
Protein context (NP_001269938.1, residues 243-263): KGTVVIFDEA[His253Arg]NVEKMCEESA